The following is an entry in ClinVar:

NM_000211.5(ITGB2):c.20C>A (p.Pro7Gln)

Gene: ITGB2 (integrin subunit beta 2; minus strand). Cytogenetic location: 21q22.3.
Variant type: single nucleotide variant.
Coding change: c.20C>A on transcript NM_000211.5 (MANE Select); coding-DNA position 20, C replaced by A.
Protein change: p.Pro7Gln; replaces proline 7 with glutamine.
Molecular consequence: missense variant. On other transcripts: 5 prime UTR variant (1).
Genome position (GRCh38, 1-based): chr21:44,910,763, G>T on the plus strand (C>A on the coding strand, the complement: ITGB2 is on the minus strand). VCF-style: chr21-44910763-G-T. GRCh37 (hg19) VCF-style: chr21-46330678-G-T.
Other names: c.20C>A (NM_000211.3); c.20C>A, p.Pro7Gln (NM_001127491.3); c.-231C>A (NM_001303238.2); short protein forms P7Q.
Identifiers: ClinVar variation 859721 (VCV000859721.9), dbSNP rs759479855, ClinGen allele CA10063490.

ClinVar aggregate classification (germline): Uncertain significance. Review status: criteria provided, multiple submitters, no conflicts (2 of 4 stars). 3 submissions from 3 submitters: Uncertain significance (3). Last evaluated 2024-12-09.

Conditions:
Leukocyte adhesion deficiency 1 (LAD1). Also called: LAD 1; Lymphocyte function-associated antigen 1 immunodeficiency; LFA 1 immunodeficiency; LEUKOCYTE ADHESION DEFICIENCY, TYPE I. Identifiers: Orphanet 2968, Orphanet 99842, MedGen C0398738, MONDO:0007293, OMIM 116920.
Inborn genetic diseases. Identifiers: MedGen C0950123, MeSH D030342.

Allele frequency attached by ClinVar (database versions not stated): gnomAD 0.00001; TOPMed 0.00002.
gnomAD v4.1: 16 of 1,613,322 alleles (0.00099%); highest among the groups gnomAD compares: Admixed American, 0.0083%; no homozygotes.

Submissions (3):

Ambry Genetics
Classification: Uncertain significance for Inborn genetic diseases. Last evaluated: 2024-12-09. Review status: criteria provided, single submitter. Criteria: Ambry Variant Classification Scheme 2023. Collection method: clinical testing. Allele origin: germline.

Labcorp Genetics (formerly Invitae), Labcorp
Classification: Uncertain significance for Leukocyte adhesion deficiency 1. Last evaluated: 2022-07-30. Review status: criteria provided, single submitter. Criteria: Invitae Variant Classification Sherloc (09022015). Collection method: clinical testing. Allele origin: germline.
Comment: This sequence change replaces proline, which is neutral and non-polar, with glutamine, which is neutral and polar, at codon 7 of the ITGB2 protein (p.Pro7Gln). This variant is present in population databases (rs759479855, gnomAD 0.01%). This variant has not been reported in the literature in individuals affected with ITGB2-related conditions. ClinVar contains an entry for this variant (Variation ID: 859721). Algorithms developed to predict the effect of missense changes on protein structure and function output the following: SIFT: "Tolerated"; PolyPhen-2: "Not Available"; Align-GVGD: "Class C0". The glutamine amino acid residue is found in multiple mammalian species, which suggests that this missense change does not adversely affect protein function. In summary, the available evidence is currently insufficient to determine the role of this variant in disease. Therefore, it has been classified as a Variant of Uncertain Significance.

Blueprint Genetics
Classification: Uncertain significance. Last evaluated: 2021-06-10. Review status: criteria provided, single submitter. Criteria: ACMG Guidelines, 2015. Collection method: clinical testing. Allele origin: germline.